The following is an entry in ClinVar:

ClinVar aggregate classification (germline): Uncertain significance. Review status: criteria provided, multiple submitters, no conflicts (2 of 4 stars). 4 submissions from 4 submitters: Uncertain significance (4). Last evaluated 2025-12-03.

Conditions:
Rhabdoid tumor predisposition syndrome 2 (RTPS2). Identifiers: Orphanet 231108, Orphanet 69077, MedGen C2750074, MONDO:0013224, OMIM 613325.
Hereditary cancer-predisposing syndrome. Also called: Neoplastic Syndromes, Hereditary; Tumor predisposition; Hereditary neoplastic syndrome; Hereditary Cancer Syndrome. Identifiers: Orphanet 140162, MedGen C0027672, MeSH D009386, MONDO:0015356.
Intellectual disability, autosomal dominant 16 (CSS4). Also called: COFFIN-SIRIS SYNDROME 4. Identifiers: Orphanet 1465, MedGen C3553249, MONDO:0013821, OMIM 614609.

Allele frequency attached by ClinVar (database versions not stated): TOPMed below 0.00001; gnomAD 0.00001.
gnomAD v4.1: 1 of 1,613,558 alleles (0.000062%); highest among the groups gnomAD compares: Non-Finnish European, 0.000085%; no homozygotes.

Submissions (4):

Labcorp Genetics (formerly Invitae), Labcorp
Classification: Uncertain significance for Rhabdoid tumor predisposition syndrome 2. Last evaluated: 2025-12-03. Review status: criteria provided, single submitter. Criteria: Invitae Variant Classification Sherloc (09022015). Collection method: clinical testing. Allele origin: germline.
Comment: This sequence change replaces aspartic acid, which is acidic and polar, with asparagine, which is neutral and polar, at codon 696 of the SMARCA4 protein (p.Asp696Asn). This variant is not present in population databases (gnomAD no frequency). This variant has not been reported in the literature in individuals affected with SMARCA4-related conditions. ClinVar contains an entry for this variant (Variation ID: 839627). Invitae Evidence Modeling of protein sequence and biophysical properties (such as structural, functional, and spatial information, amino acid conservation, physicochemical variation, residue mobility, and thermodynamic stability) indicates that this missense variant is not expected to disrupt SMARCA4 protein function with a negative predictive value of 95%. In summary, the available evidence is currently insufficient to determine the role of this variant in disease. Therefore, it has been classified as a Variant of Uncertain Significance.

Ambry Genetics
Classification: Uncertain significance for Hereditary cancer-predisposing syndrome. Last evaluated: 2024-06-10. Review status: criteria provided, single submitter. Criteria: Ambry Variant Classification Scheme 2023. Collection method: clinical testing. Allele origin: germline.
Comment: The p.D696N variant (also known as c.2086G>A), located in coding exon 13 of the SMARCA4 gene, results from a G to A substitution at nucleotide position 2086. The aspartic acid at codon 696 is replaced by asparagine, an amino acid with highly similar properties. This amino acid position is not well conserved in available vertebrate species. In addition, this alteration is predicted to be tolerated by in silico analysis. Missense and in-frame variants in SMARCA4 are known to cause neurodevelopmental disorders; however, such associations with rhabdoid tumor predisposition syndrome including small cell carcinoma of the ovary-hypercalcemic type (SCCOHT) are exceedingly rare (Kosho T et al. Am J Med Genet C Semin Med Genet. 2014 Sep;166C(3):262-75; Jelinic P et al. Nat Genet. 2014 May;46(5):424-6). Based on the supporting evidence, the association of this alteration with Coffin-Siris syndrome is unknown; however, the association of this alteration with rhabdoid tumor predisposition syndrome is unlikely.

Genome-Nilou Lab
Classification: Uncertain significance for Intellectual disability, autosomal dominant 16. Last evaluated: 2021-07-15. Review status: criteria provided, single submitter. Criteria: ACMG Guidelines, 2015. Collection method: clinical testing. Allele origin: germline. Affected: no.

GeneDx
Classification: Uncertain significance. Last evaluated: 2021-01-12. Review status: criteria provided, single submitter. Criteria: GeneDx Variant Classification Process June 2021. Collection method: clinical testing. Allele origin: germline. Affected: yes.
Comment: Not observed in large population cohorts (Lek et al., 2016); In silico analysis supports that this missense variant does not alter protein structure/function; Has not been previously published as pathogenic or benign to our knowledge

NM_003072.5(SMARCA4):c.2086G>A (p.Asp696Asn)

Gene: SMARCA4 (SWI/SNF related BAF chromatin remodeling complex subunit ATPase 4; plus strand). Cytogenetic location: 19p13.2.
Variant type: single nucleotide variant.
Coding change: c.2086G>A on transcript NM_003072.5 (MANE Select); coding-DNA position 2086, G replaced by A.
Protein change: p.Asp696Asn; replaces aspartic acid 696 with asparagine.
Molecular consequence: missense variant. On other transcripts: non-coding transcript variant (1).
Genome position (GRCh38, 1-based): chr19:11,007,986, G>A. VCF-style: chr19-11007986-G-A. GRCh37 (hg19) VCF-style: chr19-11118662-G-A.
Other names: c.2086G>A, p.Asp696Asn (NM_001128844.3, NM_001128845.2, NM_001128846.2 and 4 more transcripts); short protein forms D696N.
Identifiers: ClinVar variation 839627 (VCV000839627.16), dbSNP rs1486794288, ClinGen allele CA404052546.